The following is an entry in ClinVar:

NM_138386.3(NAF1):c.644A>C (p.Glu215Ala)

Gene: NAF1 (nuclear assembly factor 1 ribonucleoprotein; minus strand). Cytogenetic location: 4q32.2.
Variant type: single nucleotide variant.
Coding change: c.644A>C on transcript NM_138386.3 (MANE Select); coding-DNA position 644, A replaced by C.
Protein change: p.Glu215Ala; replaces glutamic acid 215 with alanine.
Molecular consequence: missense variant.
Genome position (GRCh38, 1-based): chr4:163,145,855, T>G on the plus strand (A>C on the coding strand, the complement: NAF1 is on the minus strand). VCF-style: chr4-163145855-T-G. GRCh37 (hg19) VCF-style: chr4-164067007-T-G.
Other names: c.644A>C, p.Glu215Ala (NM_001128931.2); short protein forms E215A.
Identifiers: ClinVar variation 2749823 (VCV002749823.3), dbSNP rs146708849, ClinGen allele CA3126301.

ClinVar aggregate classification (germline): Uncertain significance (1 of 4 stars; one submission).

Allele frequency attached by ClinVar (database versions not stated): gnomAD 0.00001; TOPMed 0.00001; ExAC 0.00003; 1000 Genomes Project 30x 0.00031; 1000 Genomes Project 0.00040.
gnomAD v4.1: 2 of 1,477,828 alleles (0.00014%); highest among the groups gnomAD compares: East Asian, 0.0046%; no homozygotes.

Submission:

Labcorp Genetics (formerly Invitae), Labcorp
Classification: Uncertain significance. Last evaluated: 2023-09-24. Review status: criteria provided, single submitter. Criteria: Invitae Variant Classification Sherloc (09022015). Collection method: clinical testing. Allele origin: germline.
Comment: This sequence change replaces glutamic acid, which is acidic and polar, with alanine, which is neutral and non-polar, at codon 215 of the NAF1 protein (p.Glu215Ala). This variant is present in population databases (rs146708849, gnomAD 0.007%). This variant has not been reported in the literature in individuals affected with NAF1-related conditions. An algorithm developed to predict the effect of missense changes on protein structure and function (PolyPhen-2) suggests that this variant is likely to be disruptive. In summary, the available evidence is currently insufficient to determine the role of this variant in disease. Therefore, it has been classified as a Variant of Uncertain Significance.